The following is an entry in ClinVar:

NM_176869.3(PPA2):c.697G>C (p.Ala233Pro)

Gene: PPA2 (inorganic pyrophosphatase 2; minus strand). Cytogenetic location: 4q24.
Variant type: single nucleotide variant.
Coding change: c.697G>C on transcript NM_176869.3 (MANE Select); coding-DNA position 697, G replaced by C.
Protein change: p.Ala233Pro; replaces alanine 233 with proline.
Molecular consequence: missense variant.
Genome position (GRCh38, 1-based): chr4:105,399,123, C>G on the plus strand (G>C on the coding strand, the complement: PPA2 is on the minus strand). VCF-style: chr4-105399123-C-G. GRCh37 (hg19) VCF-style: chr4-106320280-C-G.
Other names: c.610G>C, p.Ala204Pro (NM_006903.4); c.391G>C, p.Ala131Pro (NM_176866.2); c.199G>C, p.Ala67Pro (NM_176867.3); short protein forms A131P, A67P, A204P, A233P.
Identifiers: ClinVar variation 1485121 (VCV001485121.3), dbSNP rs1323168422, ClinGen allele CA357790812.

ClinVar aggregate classification (germline): Uncertain significance (1 of 4 stars; one submission).

Allele frequency attached by ClinVar (database versions not stated): TOPMed below 0.00001.

Submission:

Labcorp Genetics (formerly Invitae), Labcorp
Classification: Uncertain significance. Last evaluated: 2021-10-28. Review status: criteria provided, single submitter. Criteria: Invitae Variant Classification Sherloc (09022015). Collection method: clinical testing. Allele origin: germline.
Comment: This sequence change replaces alanine, which is neutral and non-polar, with proline, which is neutral and non-polar, at codon 233 of the PPA2 protein (p.Ala233Pro). This variant is not present in population databases (gnomAD no frequency). This variant has not been reported in the literature in individuals affected with PPA2-related conditions. Algorithms developed to predict the effect of missense changes on protein structure and function are either unavailable or do not agree on the potential impact of this missense change (SIFT: "Deleterious"; PolyPhen-2: "Probably Damaging"; Align-GVGD: "Class C0"). In summary, the available evidence is currently insufficient to determine the role of this variant in disease. Therefore, it has been classified as a Variant of Uncertain Significance.